The following is an entry in ClinVar:

ClinVar aggregate classification (germline): Pathogenic (1 of 4 stars; one submission).

Conditions:
Diamond-Blackfan anemia. Also called: Blackfan Diamond syndrome; Aregenerative anemia chronic congenital; Red cell aplasia, pure hereditary; Congenital hypoplastic anemia; Aase syndrome. Identifiers: Orphanet 124, MedGen C1260899, MeSH D029503, MONDO:0015253, HP:0004810.

Submission:

Ambry Genetics
Classification: Pathogenic for Diamond-Blackfan anemia. Last evaluated: 2015-12-22. Review status: criteria provided, single submitter. Criteria: Ambry Variant Classification Scheme 2023. Collection method: clinical testing. Allele origin: germline.
Comment: The c.60delC pathogenic mutation, located in coding exon 2 of the RPS17 gene, results from a deletion of one nucleotide at nucleotide position 60, causing a translational frameshift with a predicted alternate stop codon (p.Y21Tfs*30). Since frameshifts are typically deleterious in nature, this alteration is interpreted as a disease-causing mutation (ACMG Recommendations for Standards for Interpretation and Reporting of Sequence Variations. Revision 2007. Genet Med. 2008;10:294).

NM_001021.6(RPS17):c.60del (p.Tyr21fs)

Gene: RPS17 (ribosomal protein S17; minus strand). Cytogenetic location: 15q25.2.
Variant type: Deletion.
Coding change: c.60del on transcript NM_001021.6 (MANE Select); coding-DNA position 60, one base deleted (C; older notation c.60delC).
Protein change: p.Tyr21fs; shifts the reading frame from tyrosine 21.
Molecular consequence: frameshift variant. On other transcripts: non-coding transcript variant (2).
Genome position (GRCh38, 1-based): chr15:82,540,076, G deleted on the plus strand (C on the coding strand, the reverse complement: RPS17 is on the minus strand). VCF-style (leftmost placement, unchanged base first): chr15-82540075-AG-A. GRCh37 (hg19) VCF-style: chr15-82824483-AG-A.
Other names: short protein forms Y21fs.
Identifiers: ClinVar variation 1751600 (VCV001751600.2), dbSNP rs2548306430, ClinGen allele CA2580090076.